The following is an entry in ClinVar:

NM_144596.4(TTC8):c.115-3C>T

Gene: TTC8 (tetratricopeptide repeat domain 8; plus strand). Cytogenetic location: 14q31.3.
Variant type: single nucleotide variant.
Coding change: c.115-3C>T on transcript NM_144596.4 (MANE Select); 3 bases into the intron before coding-DNA position 115, C replaced by T.
Molecular consequence: intron variant.
Genome position (GRCh38, 1-based): chr14:88,833,690, C>T. VCF-style: chr14-88833690-C-T. GRCh37 (hg19) VCF-style: chr14-89300034-C-T.
Other names: c.-448-5762C>T (NM_001288782.1); c.115-5762C>T (NM_001288781.1, NM_198309.3, NM_198310.3 and 2 more transcripts); c.-543-5762C>T (NM_001288783.1).
Identifiers: ClinVar variation 4977663 (VCV004977663.1).

ClinVar aggregate classification (germline): Likely benign (1 of 4 stars; one submission).

Conditions:
TTC8-related disorder. Also called: TTC8-related condition.

gnomAD v4.1: 12 of 1,613,328 alleles (0.00074%); highest among the groups gnomAD compares: Admixed American, 0.0017%; no homozygotes.

Submission:

PreventionGenetics, part of Exact Sciences
Classification: Likely benign for TTC8-related condition. Last evaluated: 2025-09-08. Review status: criteria provided, single submitter. Criteria: ACMG Guidelines, 2015. Collection method: clinical testing. Allele origin: germline.
Comment: This variant is classified as likely benign based on ACMG/AMP sequence variant interpretation guidelines (Richards et al. 2015 PMID: 25741868, with internal and published modifications).